The following is an entry in ClinVar:

NM_022773.4(LMF1):c.1177A>C (p.Met393Leu)

Gene: LMF1 (lipase maturation factor 1; minus strand). Cytogenetic location: 16p13.3.
Variant type: single nucleotide variant.
Coding change: c.1177A>C on transcript NM_022773.4 (MANE Select); coding-DNA position 1177, A replaced by C.
Protein change: p.Met393Leu; replaces methionine 393 with leucine.
Molecular consequence: missense variant. On other transcripts: non-coding transcript variant (1).
Genome position (GRCh38, 1-based): chr16:870,784, T>G on the plus strand (A>C on the coding strand, the complement: LMF1 is on the minus strand). VCF-style: chr16-870784-T-G. GRCh37 (hg19) VCF-style: chr16-920784-T-G.
Other names: c.526A>C, p.Met176Leu (NM_001352017.2, NM_001352021.2); c.778A>C, p.Met260Leu (NM_001352018.2); c.850A>C, p.Met284Leu (NM_001352019.2); c.1177A>C, p.Met393Leu (NM_001352020.1); c.1177A>C (NM_022773.2); short protein forms M284L, M393L, M176L, M260L.
Identifiers: ClinVar variation 2065110 (VCV002065110.2), dbSNP rs770344920, ClinGen allele CA7797153.

ClinVar aggregate classification (germline): Uncertain significance. Review status: criteria provided, multiple submitters, no conflicts (2 of 4 stars). 2 submissions from 2 submitters: Uncertain significance (2). Last evaluated 2024-05-20.

Conditions:
Cardiovascular phenotype. Identifiers: MedGen CN230736.

Allele frequency attached by ClinVar (database versions not stated): gnomAD exomes 0.00008; ExAC 0.00018.
gnomAD v4.1: 55 of 1,612,882 alleles (0.0034%); highest among the groups gnomAD compares: Admixed American, 0.088%; no homozygotes.

Submissions (2):

Ambry Genetics
Classification: Uncertain significance for Cardiovascular phenotype. Last evaluated: 2024-05-20. Review status: criteria provided, single submitter. Criteria: Ambry Variant Classification Scheme 2023. Collection method: clinical testing. Allele origin: germline.

Labcorp Genetics (formerly Invitae), Labcorp
Classification: Uncertain significance. Last evaluated: 2022-09-01. Review status: criteria provided, single submitter. Criteria: Invitae Variant Classification Sherloc (09022015). Collection method: clinical testing. Allele origin: germline.
Comment: This sequence change replaces methionine, which is neutral and non-polar, with leucine, which is neutral and non-polar, at codon 393 of the LMF1 protein (p.Met393Leu). This variant is present in population databases (rs770344920, gnomAD 0.1%). This variant has not been reported in the literature in individuals affected with LMF1-related conditions. Algorithms developed to predict the effect of missense changes on protein structure and function are either unavailable or do not agree on the potential impact of this missense change (SIFT: "Deleterious"; PolyPhen-2: "Benign"; Align-GVGD: "Class C0"). In summary, the available evidence is currently insufficient to determine the role of this variant in disease. Therefore, it has been classified as a Variant of Uncertain Significance.